The following continues an entry in ClinVar:

NM_007294.4(BRCA1):c.4065_4068del (p.Asn1355fs)

ClinVar aggregate classification (germline): Pathogenic. Pathogenic (1).

Submissions 28 to 40 of 69:

ARUP Laboratories, Molecular Genetics and Genomics, ARUP Laboratories
Classification: Pathogenic. Last evaluated: 2023-08-24. Review status: criteria provided, single submitter. Criteria: ARUP Molecular Germline Variant Investigation Process 2024. Collection method: clinical testing. Allele origin: germline. Not counted in ClinVar's aggregate classification.
Comment: The BRCA1 c.4065_4068delTCAA; p.Asn1355LysfsTer10 variant (rs80357508), also known as 4184_4187del4, is reported in the literature in multiple individuals and families with breast and ovarian cancer (Evans 2004, Farooq 2011, Friedman 1994, George 2013, Leongamornlert 2014, Li 2019, Meindl 2002, Neuhausen 1996, Zhang 2011). This variant is listed as pathogenic by multiple laboratories in ClinVar (Variation ID: 17674), and is only observed on three alleles in the Genome Aggregation Database, indicating it is not a common polymorphism. This variant causes a frameshift by deleting 4 nucleotides, so it is predicted to result in a truncated protein or mRNA subject to nonsense-mediated decay. Based on available information, this variant is considered to be pathogenic. References: Evans DG et al. Haplotype and cancer risk analysis of two common mutations, BRCA1 4184del4 and BRCA2 2157delG, in high risk northwest England breast/ovarian families. J Med Genet. 2004 Feb;41(2):e21. PMID: 14757871. Farooq A et al. Breast and Ovarian Cancer Risk due to Prevalence of BRCA1 and BRCA2 Variants in Pakistani Population: A Pakistani Database Report. J Oncol. 2011;2011:632870. PMID: 21559243. Friedman LS et al. Confirmation of BRCA1 by analysis of germline mutations linked to breast and ovarian cancer in ten families. Nat Genet. 1994 Dec;8(4):399-404. PMID: 7894493. George J et al. Nonequivalent gene expression and copy number alterations in high-grade serous ovarian cancers with BRCA1 and BRCA2 mutations. Clin Cancer Res. 2013 Jul 1;19(13):3474-84. PMID: 23633455. Leongamornlert D et al. Frequent germline deleterious mutations in DNA repair genes in familial prostate cancer cases are associated with advanced disease. Br J Cancer. 2014 Mar 18;110(6):1663-72. PMID: 24556621. Li JY et al. Germline mutations in 40 cancer susceptibility genes among Chinese patients with high hereditary risk breast cancer. Int J Cancer. 2019 Jan 15;144(2):281-289. PMID: 29752822. Meindl A et al. Comprehensive analysis of 989 patients with breast or ovarian cancer provides BRCA1 and BRCA2 mutation profiles and frequencies for the German population. Int J Cancer. 2002 Feb 1;97(4):472-80. PMID: 11802209. Neuhausen SL et al. Haplotype and phenotype analysis of six recurrent BRCA1 mutations in 61 families: results of an international study. Am J Hum Genet. 1996 Feb;58(2):271-80. PMID: 8571953. Zhang S et al. Frequencies of BRCA1 and BRCA2 mutations among 1,342 unselected patients with invasive ovarian cancer. Gynecol Oncol. 2011 May 1;121(2):353-7. PMID: 21324516.

Quest Diagnostics Nichols Institute San Juan Capistrano
Classification: Pathogenic. Last evaluated: 2023-07-13. Review status: criteria provided, single submitter. Criteria: Quest Diagnostics criteria. Collection method: clinical testing. Allele origin: unknown. Not counted in ClinVar's aggregate classification.
Comment: This variant alters the translational reading frame of the BRCA1 mRNA and causes the premature termination of BRCA1 protein synthesis. In the published literature, this variant has been reported in individuals with breast cancer and ovarian cancer in the published literature (PMIDs: 29752822 (2018), 29470806 (2018), 28993434 (2018), 27553291 (2016), 28831036 (2017)). Based on the available information, this variant is classified as pathogenic.

Centre for Mendelian Genomics, University Medical Centre Ljubljana
Classification: Pathogenic for Breast-ovarian cancer, familial, susceptibility to, 1. Last evaluated: 2022-12-09. Review status: criteria provided, single submitter. Criteria: ACMG Guidelines, 2015. Collection method: research. Allele origin: germline. Affected: no. Not counted in ClinVar's aggregate classification.
Comment: PVS1, PS4_STR

Laboratory for Molecular Medicine, Mass General Brigham Personalized Medicine
Classification: Pathogenic for Hereditary breast ovarian cancer syndrome. Last evaluated: 2022-11-03. Review status: criteria provided, single submitter. Criteria: ACMG Guidelines, 2015. Collection method: clinical testing. Allele origin: germline. Inheritance: Autosomal dominant inheritance. Not counted in ClinVar's aggregate classification.
Comment: The p.Asn1355LysfsX10 variant in BRCA1 has been reported in >100 individuals with BRCA1-associated cancers (Friedman 1994 PMID:7894493, Zhang 2011 PMID:21324516, George 2013 PMID:23633455, Cao 2013 PMID:23175448, Cunningham 2014 PMID:24504028, Leongamornlert 2014 PMID:24556621, Rashid 2016 PMID:27553291, Sun 2017 PMID:28724667, Maxwell 2017 PMID:28831036, Hirasawa 2017 PMID:29348823, Li 2018 PMID:30078507, Singh 2018 PMID:29470806, Wen 2018 PMID:28993434, Li 2019 PMID:29752822, Breast Information Core Database (BIC)). It has also been identified in 0.004% (3/68040) European chromosomes by gnomAD (v.3.1). This variant is predicted to cause a frameshift, which alters the protein’s amino acid sequence beginning at position 1355 and leads to a premature termination codon 10 amino acids downstream. This alteration is then predicted to lead to a truncated or absent protein. Loss of function of the BRCA1 gene is an established disease mechanism in autosomal dominant hereditary breast and ovarian cancer (HBOC). Additionally, this variant was classified as pathogenic on April 22, 2016 by the ClinGen-approved ENIGMA expert panel (Variation ID 17674). In summary, this variant meets criteria to be classified as pathogenic for autosomal dominant HBOC. ACMG/AMP Criteria applied: PS4, PM2_Supporting, PVS1.

Mayo Clinic Laboratories, Mayo Clinic
Classification: Pathogenic. Last evaluated: 2022-08-08. Review status: criteria provided, single submitter. Criteria: ACMG Guidelines, 2015. Collection method: clinical testing. Allele origin: germline. Observed: 1 variant allele. Not counted in ClinVar's aggregate classification.
Comment: PP5, PM2, PVS1

Genetics and Molecular Pathology, SA Pathology
Classification: Pathogenic for Breast-ovarian cancer, familial, susceptibility to, 1. Last evaluated: 2022-04-17. Review status: criteria provided, single submitter. Criteria: ACMG Guidelines, 2015. Collection method: clinical testing. Allele origin: germline. Affected: yes. Not counted in ClinVar's aggregate classification.
Comment: The BRCA1 c.4065_4068del variant is classified as Pathogenic (PVS1, PS4_Supporting, PM2) This BRCA1 c.4065_4068del variant is located in exon 10/23 and is predicted to cause a shift in the reading frame at codon 1355. The variant is rare in population databases (PM2). The variant has been reported in dbSNP (rs80357508) and has been reported as Pathogenic by other diagnostic laboratories (ClinVar Variation ID: 17674). It has not been reported in HGMD. BRCA1:c.4065_4068del (also described as BRCA1 4184del4 using legacy nomenclature) has been reported in multiple unrelated individuals and families with breast, peritoneal, fallopian tube and ovarian cancer (Siraj et al., 2018 PMID: 30825404, Singh et al., 2018 PMID: 29470806; Heramb et al., 2018 PMID: 29339979; Li et al., 2019 PMID: 29752822).

Greenwood Genetic Center Diagnostic Laboratories, Greenwood Genetic Center
Classification: Pathogenic for Breast-ovarian cancer, familial, susceptibility to, 1. Last evaluated: 2021-05-06. Review status: criteria provided, single submitter. Criteria: ACMG Guidelines, 2015. Collection method: clinical testing. Allele origin: germline. Not counted in ClinVar's aggregate classification.
Comment: PVS1, PS4

Institute of Medical Genetics and Applied Genomics, University Hospital Tübingen
Classification: Pathogenic. Last evaluated: 2020-10-23. Review status: criteria provided, single submitter. Criteria: ACMG Guidelines, 2015. Collection method: clinical testing. Allele origin: germline. Inheritance: Autosomal unknown. Affected: yes. Not counted in ClinVar's aggregate classification.

GeneDx
Classification: Pathogenic. Last evaluated: 2020-04-06. Review status: criteria provided, single submitter. Criteria: GeneDx Variant Classification Process June 2021. Collection method: clinical testing. Allele origin: germline. Affected: yes. Not counted in ClinVar's aggregate classification.
Comment: Frameshift variant predicted to result in protein truncation or nonsense mediated decay in a gene for which loss-of-function is a known mechanism of disease; Observed in many individuals with personal and/or family history consistent with pathogenic variants in this gene (Friedman 1994, Neuhausen 1996, Liede 2002, Meindl 2002, Farooq 2011, Couch 2015, Bu 2016, Chan 2018); Not observed at a significant frequency in large population cohorts (Lek 2016); Truncating variants in this gene are considered pathogenic by a well-established clinical consortium and/or database; This variant is associated with the following publications: (PMID: 23633455, 24556621, 21559243, 11802209, 10699917, 26852015, 20104584, 25948282, 31957001, 25085752, 29348823, 29752822, 31372034, 30199306, 7894493, 8571953, 12181777, 25452441, 27082205, 30093976, 24504028, 2270482, 21324516, 17018160, 14757871, 23683081, 23175448, 24549055, 7894492, 8531967, 27157322, 16455195, 26997744, 26350514, 28127413, 27836010, 27553291, 28392550, 29907814, 29422015, 7837387, 28831036, 17100994, 29339979, 29470806, 28724667, 28993434, 30702160, 30078507, 28176296, 30720243, 30014164, 31174498, 30322717, 30825404, 31454914, 31528241, 29625052, 26689913, 29176636, 32029870, 31948886)

Department of Molecular Diagnostics, Institute of Oncology Ljubljana
Classification: Pathogenic for Breast-ovarian cancer, familial, susceptibility to, 1. Last evaluated: 2020-04-02. Review status: criteria provided, single submitter. Criteria: ACMG Guidelines, 2015. Collection method: clinical testing. Allele origin: germline. Affected: yes. Not counted in ClinVar's aggregate classification.

CHEO Genetics Diagnostic Laboratory, Children's Hospital of Eastern Ontario
Classification: Pathogenic for Breast and/or ovarian cancer. Last evaluated: 2020-03-25. Review status: criteria provided, single submitter. Criteria: ACMG Guidelines, 2015. Collection method: clinical testing. Allele origin: germline. Not counted in ClinVar's aggregate classification.

Mendelics
Classification: Pathogenic for Hereditary breast and ovarian cancer syndrome. Last evaluated: 2018-07-02. Review status: criteria provided, single submitter. Criteria: Mendelics Assertion Criteria 2017. Collection method: clinical testing. Allele origin: unknown. Not counted in ClinVar's aggregate classification.

Clinical Genetics and Genomics, Karolinska University Hospital
Classification: Pathogenic. Last evaluated: 2017-09-19. Review status: criteria provided, single submitter. Criteria: ACMG Guidelines, 2015. Collection method: clinical testing. Allele origin: germline. Affected: yes. Observed: 3 variant alleles. Not counted in ClinVar's aggregate classification.